The following is an entry in ClinVar:

ClinVar aggregate classification (germline): Uncertain significance. Review status: criteria provided, multiple submitters, no conflicts (2 of 4 stars). 3 submissions from 3 submitters: Uncertain significance (3). Last evaluated 2024-10-22.

Conditions:
Inborn genetic diseases. Identifiers: MedGen C0950123, MeSH D030342.
Peroxisome biogenesis disorder 7A (Zellweger). Also called: Peroxisome biogenesis disorder 7A. Identifiers: Orphanet 912, MedGen C3888385, MONDO:0013938, OMIM 614872.
Peroxisome biogenesis disorder 7B (PBD7B). Identifiers: Orphanet 44, MedGen C3553951, MONDO:0013939, OMIM 614873.

Allele frequency attached by ClinVar (database versions not stated): gnomAD exomes below 0.00001; TOPMed 0.00002; gnomAD 0.00001.
gnomAD v4.1: 16 of 1,612,480 alleles (0.00099%); highest among the groups gnomAD compares: South Asian, 0.0022%; no homozygotes.

Submissions (3):

Labcorp Genetics (formerly Invitae), Labcorp
Classification: Uncertain significance for Peroxisome biogenesis disorder 7A (Zellweger); Peroxisome biogenesis disorder 7B. Last evaluated: 2024-10-22. Review status: criteria provided, single submitter. Criteria: Invitae Variant Classification Sherloc (09022015). Collection method: clinical testing. Allele origin: germline.
Comment: This sequence change replaces arginine, which is basic and polar, with histidine, which is basic and polar, at codon 297 of the PEX26 protein (p.Arg297His). The frequency data for this variant in the population databases is considered unreliable, as metrics indicate poor data quality at this position in the gnomAD database. This variant has not been reported in the literature in individuals affected with PEX26-related conditions. ClinVar contains an entry for this variant (Variation ID: 1693772). Invitae Evidence Modeling of protein sequence and biophysical properties (such as structural, functional, and spatial information, amino acid conservation, physicochemical variation, residue mobility, and thermodynamic stability) indicates that this missense variant is not expected to disrupt PEX26 protein function with a negative predictive value of 95%. In summary, the available evidence is currently insufficient to determine the role of this variant in disease. Therefore, it has been classified as a Variant of Uncertain Significance.

Ambry Genetics
Classification: Uncertain significance for Inborn genetic diseases. Last evaluated: 2023-03-22. Review status: criteria provided, single submitter. Criteria: Ambry Variant Classification Scheme 2023. Collection method: clinical testing. Allele origin: germline.

Mayo Clinic Laboratories, Mayo Clinic
Classification: Uncertain significance. Last evaluated: 2022-01-05. Review status: criteria provided, single submitter. Criteria: ACMG Guidelines, 2015. Collection method: clinical testing. Allele origin: germline.

NM_001127649.3(PEX26):c.890G>A (p.Arg297His)

Gene: PEX26 (peroxisomal biogenesis factor 26; plus strand). Cytogenetic location: 22q11.21.
Variant type: single nucleotide variant.
Coding change: c.890G>A on transcript NM_001127649.3 (MANE Select); coding-DNA position 890, G replaced by A.
Protein change: p.Arg297His; replaces arginine 297 with histidine.
Molecular consequence: missense variant.
Genome position (GRCh38, 1-based): chr22:18,088,047, G>A. VCF-style: chr22-18088047-G-A. GRCh37 (hg19) VCF-style: chr22-18570813-G-A.
Other names: p.Arg297His; c.743G>A, p.Arg248His (NM_001199319.2); c.890G>A, p.Arg297His (NM_017929.6); c.890G>A (NM_017929.5); short protein forms R248H, R297H.
Identifiers: ClinVar variation 1693772 (VCV001693772.9), dbSNP rs1290168962, ClinGen allele CA410269740.